The following is an entry in ClinVar:

ClinVar aggregate classification (germline): Uncertain significance (1 of 4 stars; one submission).

Allele frequency attached by ClinVar (database versions not stated): TOPMed below 0.00001; ExAC 0.00001; gnomAD 0.00001; gnomAD exomes 0.00001.
gnomAD v4.1: 14 of 1,613,820 alleles (0.00087%); highest among the groups gnomAD compares: Middle Eastern, 0.016%; no homozygotes.

Submission:

Labcorp Genetics (formerly Invitae), Labcorp
Classification: Uncertain significance. Last evaluated: 2024-10-16. Review status: criteria provided, single submitter. Criteria: Invitae Variant Classification Sherloc (09022015). Collection method: clinical testing. Allele origin: germline.
Comment: This sequence change replaces isoleucine, which is neutral and non-polar, with valine, which is neutral and non-polar, at codon 81 of the PPP3CA protein (p.Ile81Val). This variant is present in population databases (rs756328481, gnomAD 0.002%). This variant has not been reported in the literature in individuals affected with PPP3CA-related conditions. ClinVar contains an entry for this variant (Variation ID: 1476973). Invitae Evidence Modeling of protein sequence and biophysical properties (such as structural, functional, and spatial information, amino acid conservation, physicochemical variation, residue mobility, and thermodynamic stability) indicates that this missense variant is not expected to disrupt PPP3CA protein function with a negative predictive value of 80%. In summary, the available evidence is currently insufficient to determine the role of this variant in disease. Therefore, it has been classified as a Variant of Uncertain Significance.

NM_000944.5(PPP3CA):c.241A>G (p.Ile81Val)

Gene: PPP3CA (protein phosphatase 3 catalytic subunit alpha; minus strand). Cytogenetic location: 4q24.
Variant type: single nucleotide variant.
Coding change: c.241A>G on transcript NM_000944.5 (MANE Select); coding-DNA position 241, A replaced by G.
Protein change: p.Ile81Val; replaces isoleucine 81 with valine.
Molecular consequence: missense variant.
Genome position (GRCh38, 1-based): chr4:101,195,934, T>C on the plus strand (A>G on the coding strand, the complement: PPP3CA is on the minus strand). VCF-style: chr4-101195934-T-C. GRCh37 (hg19) VCF-style: chr4-102117091-T-C.
Other names: c.241A>G, p.Ile81Val (NM_001130691.2, NM_001130692.2); short protein forms I81V.
Identifiers: ClinVar variation 1476973 (VCV001476973.8), dbSNP rs756328481, ClinGen allele CA3024539.